The following is an entry in ClinVar:

NM_001005373.4(LRSAM1):c.5C>T (p.Pro2Leu)

Gene: LRSAM1 (leucine rich repeat and sterile alpha motif containing 1; plus strand). Cytogenetic location: 9q33.3.
Variant type: single nucleotide variant.
Coding change: c.5C>T on transcript NM_001005373.4 (MANE Select); coding-DNA position 5, C replaced by T.
Protein change: p.Pro2Leu; replaces proline 2 with leucine.
Molecular consequence: missense variant. On other transcripts: 5 prime UTR variant (1), non-coding transcript variant (2).
Genome position (GRCh38, 1-based): chr9:127,454,532, C>T. VCF-style: chr9-127454532-C-T. GRCh37 (hg19) VCF-style: chr9-130216811-C-T.
Other names: c.5C>T, p.Pro2Leu (NM_001005374.4, NM_001190723.3, NM_001384142.1 and 2 more transcripts); c.-780C>T (NM_001384144.1); short protein forms P2L.
Identifiers: ClinVar variation 961286 (VCV000961286.10), dbSNP rs553074777, ClinGen allele CA5246338.
Genomic context (GRCh38, chr9:127,454,532, plus strand): 5'-CCTAACTTCTCTCCTGTGCCCCAGGGTCCTAAAGATCGCTCTGGGAAAAGGGAAGGATGC[C>T]GCTCTTCTTCCGGAAGCGGAAACCCAGTGAGGAGGCTCGGAAACGCCTGGAGTACCAGAT-3'
Protein context (NP_001005373.1, residues 1-12): M[Pro2Leu]LFFRKRKPSE

ClinVar aggregate classification (germline): Uncertain significance (1 of 4 stars; one submission).

Conditions:
Charcot-Marie-Tooth disease axonal type 2P. Also called: CHARCOT-MARIE-TOOTH NEUROPATHY, TYPE 2P; CHARCOT-MARIE-TOOTH DISEASE, AXONAL, TYPE 2G; CMT 2G; Charcot-Marie-Tooth Neuropathy Type 2G. Identifiers: Orphanet 300319, Orphanet 99941, MedGen C3280797, MONDO:0013753, OMIM 614436.

Allele frequency attached by ClinVar (database versions not stated): TOPMed below 0.00001; ExAC 0.00001; gnomAD 0.00001; gnomAD exomes 0.00001; 1000 Genomes Project 0.00020; 1000 Genomes Project 30x 0.00031.
gnomAD v4.1: 9 of 1,614,100 alleles (0.00056%); highest among the groups gnomAD compares: East Asian, 0.0045%; no homozygotes.

Submission:

Labcorp Genetics (formerly Invitae), Labcorp
Classification: Uncertain significance for Charcot-Marie-Tooth disease axonal type 2P. Last evaluated: 2024-01-16. Review status: criteria provided, single submitter. Criteria: Invitae Variant Classification Sherloc (09022015). Collection method: clinical testing. Allele origin: germline.
Comment: This sequence change replaces proline, which is neutral and non-polar, with leucine, which is neutral and non-polar, at codon 2 of the LRSAM1 protein (p.Pro2Leu). This variant is present in population databases (rs553074777, gnomAD 0.01%). This variant has not been reported in the literature in individuals affected with LRSAM1-related conditions. ClinVar contains an entry for this variant (Variation ID: 961286). An algorithm developed to predict the effect of missense changes on protein structure and function (PolyPhen-2) suggests that this variant is likely to be disruptive. In summary, the available evidence is currently insufficient to determine the role of this variant in disease. Therefore, it has been classified as a Variant of Uncertain Significance.